The following is an entry in ClinVar:

ClinVar aggregate classification (germline): Pathogenic/Likely pathogenic. Review status: criteria provided, multiple submitters, no conflicts (2 of 4 stars). 4 submissions from 4 submitters: Pathogenic (2); Likely pathogenic (2). Last evaluated 2026-01-06.

Conditions:
Hereditary cancer-predisposing syndrome. Also called: Tumor predisposition; Hereditary Cancer Syndrome; Neoplastic Syndromes, Hereditary; Hereditary neoplastic syndrome. Identifiers: Orphanet 140162, MedGen C0027672, MeSH D009386, MONDO:0015356.
Tuberous sclerosis syndrome (TSC). Also called: Tuberous sclerosis; Tuberous Sclerosis Complex. Identifiers: Orphanet 805, MedGen C0041341, MONDO:0001734.
Tuberous sclerosis 2 (TSC2). Identifiers: Orphanet 805, MedGen C1860707, MONDO:0013199, OMIM 613254.

Submissions (4):

Ambry Genetics
Classification: Pathogenic for Hereditary cancer-predisposing syndrome. Last evaluated: 2026-01-06. Review status: criteria provided, single submitter. Criteria: Ambry Variant Classification Scheme 2023. Collection method: clinical testing. Allele origin: germline.
Comment: The c.1443+5G>C intronic pathogenic mutation results from a G to C substitution 5 nucleotides after coding exon 13 in the TSC2 gene. This variant was reported in individuals with features consistent with Tuberous sclerosis complex (Ambry internal data; Suspitsin EN et al. J Hum Genet, 2018 May;63:597-604; external communication). In silico splice site analysis predicts that this alteration may weaken the native splice donor site. RNA studies have demonstrated that this alteration results in abnormal splicing in the set of samples tested (Ambry internal data). This nucleotide position is highly conserved in available vertebrate species. This variant is considered to be rare based on population cohorts in the Genome Aggregation Database (gnomAD). Based on the supporting evidence, this variant is interpreted as a disease-causing mutation.

NHS Central & South Genomic Laboratory Hub
Classification: Likely pathogenic for Tuberous sclerosis. Last evaluated: 2025-10-21. Review status: criteria provided, single submitter. Criteria: ACMG Guidelines, 2015. Collection method: clinical testing. Allele origin: germline. Affected: yes.

GeneDx
Classification: Likely pathogenic. Last evaluated: 2025-01-14. Review status: criteria provided, single submitter. Criteria: GeneDx Variant Classification Process June 2021. Collection method: clinical testing. Allele origin: germline. Affected: yes.
Comment: Not observed at significant frequency in large population cohorts (gnomAD); In silico analysis is inconclusive as to whether the variant alters gene splicing. In the absence of RNA/functional studies, the actual effect of this sequence change is unknown.; This variant is associated with the following publications: (PMID: 29476190, 33391346)

Labcorp Genetics (formerly Invitae), Labcorp
Classification: Pathogenic for Tuberous sclerosis 2. Last evaluated: 2024-02-08. Review status: criteria provided, single submitter. Criteria: Invitae Variant Classification Sherloc (09022015). Collection method: clinical testing. Allele origin: germline.
Comment: This sequence change falls in intron 14 of the TSC2 gene. It does not directly change the encoded amino acid sequence of the TSC2 protein. It affects a nucleotide within the consensus splice site. This variant is not present in population databases (gnomAD no frequency). This variant has been observed in individual(s) with clinical features of tuberous sclerosis complex (PMID: 21520333, 29101226, 29476190, 33391346). ClinVar contains an entry for this variant (Variation ID: 489133). Variants that disrupt the consensus splice site are a relatively common cause of aberrant splicing (PMID: 17576681, 9536098). Algorithms developed to predict the effect of sequence changes on RNA splicing suggest that this variant may disrupt the consensus splice site. For these reasons, this variant has been classified as Pathogenic.

Literature cited by the submitters: PubMed 29476190 (cited by Ambry Genetics and Labcorp Genetics (formerly Invitae), Labcorp); PubMed 21520333 (cited by Labcorp Genetics (formerly Invitae), Labcorp); PubMed 29101226 (cited by Labcorp Genetics (formerly Invitae), Labcorp); PubMed 33391346 (cited by Labcorp Genetics (formerly Invitae), Labcorp); PubMed 17576681 (cited by Labcorp Genetics (formerly Invitae), Labcorp); PubMed 9536098 (cited by Labcorp Genetics (formerly Invitae), Labcorp).

NM_000548.5(TSC2):c.1443+5G>C

Gene: TSC2 (TSC complex subunit 2; plus strand). Cytogenetic location: 16p13.3.
Variant type: single nucleotide variant.
Coding change: c.1443+5G>C on transcript NM_000548.5 (MANE Select); 5 bases into the intron after coding-DNA position 1443, G replaced by C.
Molecular consequence: intron variant.
Genome position (GRCh38, 1-based): chr16:2,063,058, G>C. VCF-style: chr16-2063058-G-C. GRCh37 (hg19) VCF-style: chr16-2113059-G-C.
Other names: c.1443+5G>C (NM_001114382.3, NM_021055.3, NM_001370405.1 and 3 more transcripts); c.1332+5G>C (NM_001318827.2); c.843+5G>C (NM_001318831.2); c.1296+5G>C (NM_001318829.2); c.1476+5G>C (NM_001318832.2).
Identifiers: ClinVar variation 489133 (VCV000489133.15), dbSNP rs1057521562, ClinGen allele CA658683908.
Genomic context (GRCh38, chr16:2,063,058, plus strand): 5'-TCAAGGTGCTGGACGTGCTGTCCTTTGTGCTGCTCATCAACAGGCAGTTCTATGAGGTGC[G>C]TGTCCAGGCGGCCGCAGCTGGGGGCTCAGGGCTATTTCTCCGTGGGCGGGCTGTCTCTGT-3'